The following is an entry in ClinVar:

ClinVar aggregate classification (germline): Benign. Review status: criteria provided, multiple submitters, no conflicts (2 of 4 stars). 3 submissions from 3 submitters: Benign (3). Last evaluated 2019-12-31.

Conditions:
Dicarboxylic aminoaciduria (DCBXA). Also called: GLUTAMATE-ASPARTATE TRANSPORT DEFECT. Identifiers: Orphanet 2195, MedGen C1857253, MONDO:0009110, OMIM 222730.

Allele frequency attached by ClinVar (database versions not stated): gnomAD exomes 0.00028; ExAC 0.00102; TOPMed 0.00295; ESP Exome Variant Server 0.00346; gnomAD 0.00373; 1000 Genomes Project 30x 0.00375; 1000 Genomes Project 0.00399.
gnomAD v4.1: 942 of 1,613,956 alleles (0.058%); highest among the groups gnomAD compares: African/African-American, 1.2%; 10 homozygotes.

Submissions (3):

Labcorp Genetics (formerly Invitae), Labcorp
Classification: Benign. Last evaluated: 2019-12-31. Review status: criteria provided, single submitter. Criteria: Invitae Variant Classification Sherloc (09022015). Collection method: clinical testing. Allele origin: germline.

Illumina Laboratory Services, Illumina
Classification: Benign for Dicarboxylic aminoaciduria. Last evaluated: 2018-01-12. Review status: criteria provided, single submitter. Criteria: ICSL Variant Classification Criteria 13 December 2019. Collection method: clinical testing. Allele origin: germline.
Comment: This variant was observed in the ICSL laboratory as part of a predisposition screen in an ostensibly healthy population. It had not been previously curated by ICSL or reported in the Human Gene Mutation Database (HGMD: prior to June 1st, 2018), and was therefore a candidate for classification through an automated scoring system. Utilizing variant allele frequency, disease prevalence and penetrance estimates, and inheritance mode, an automated score was calculated to assess if this variant is too frequent to cause the disease. Based on the score and internal cut-off values, a variant classified as benign is not then subjected to further curation. The score for this variant resulted in a classification of benign for this disease.

Breakthrough Genomics
Classification: Benign. Review status: criteria provided, single submitter. Criteria: ACMG Guidelines, 2015. Collection method: not provided. Allele origin: germline. Inheritance: Autosomal recessive inheritance. Affected: yes.

NM_004170.6(SLC1A1):c.750C>T (p.Ile250=)

Gene: SLC1A1 (solute carrier family 1 member 1; plus strand). Cytogenetic location: 9p24.2.
Variant type: single nucleotide variant.
Coding change: c.750C>T on transcript NM_004170.6 (MANE Select); coding-DNA position 750, C replaced by T.
Protein change: p.Ile250=; no amino-acid change (isoleucine 250 retained).
Molecular consequence: synonymous variant.
Genome position (GRCh38, 1-based): chr9:4,572,371, C>T. VCF-style: chr9-4572371-C-T. GRCh37 (hg19) VCF-style: chr9-4572371-C-T.
Identifiers: ClinVar variation 733732 (VCV000733732.9), dbSNP rs116222972, ClinGen allele CA4969091.